The following is an entry in ClinVar:

ClinVar aggregate classification (germline): Uncertain significance (1 of 4 stars; one submission).

Conditions:
Alpha-methylacyl-CoA racemase deficiency (AMACRD). Also called: AMACR deficiency. Identifiers: Orphanet 79095, MedGen C3280428, MONDO:0013681, OMIM 614307. Disease mechanism: loss of function.

Allele frequency attached by ClinVar (database versions not stated): ExAC 0.00001; gnomAD 0.00001; ESP Exome Variant Server 0.00008.
gnomAD v4.1: 4 of 1,614,082 alleles (0.00025%); highest among the groups gnomAD compares: African/African-American, 0.0027%; no homozygotes.

Submission:

Labcorp Genetics (formerly Invitae), Labcorp
Classification: Uncertain significance for Alpha-methylacyl-CoA racemase deficiency. Last evaluated: 2022-02-01. Review status: criteria provided, single submitter. Criteria: Invitae Variant Classification Sherloc (09022015). Collection method: clinical testing. Allele origin: germline.
Comment: This sequence change replaces phenylalanine, which is neutral and non-polar, with serine, which is neutral and polar, at codon 357 of the AMACR protein (p.Phe357Ser). This variant is present in population databases (rs138052540, gnomAD 0.007%). This variant has not been reported in the literature in individuals affected with AMACR-related conditions. Algorithms developed to predict the effect of missense changes on protein structure and function are either unavailable or do not agree on the potential impact of this missense change (SIFT: "Deleterious"; PolyPhen-2: "Benign"; Align-GVGD: "Class C0"). In summary, the available evidence is currently insufficient to determine the role of this variant in disease. Therefore, it has been classified as a Variant of Uncertain Significance.

NM_014324.6(AMACR):c.1070T>C (p.Phe357Ser)

Genes: AMACR (alpha-methylacyl-CoA racemase; minus strand), C1QTNF3-AMACR (C1QTNF3-AMACR readthrough (NMD candidate); minus strand). Cytogenetic location: 5p13.2.
Variant type: single nucleotide variant.
Coding change: c.1070T>C on transcript NM_014324.6 (MANE Select); coding-DNA position 1070, T replaced by C.
Protein change: p.Phe357Ser; replaces phenylalanine 357 with serine.
Molecular consequence: missense variant. On other transcripts: non-coding transcript variant (1), 3 prime UTR variant (1).
Genome position (GRCh38, 1-based): chr5:33,989,172, A>G on the plus strand (T>C on the coding strand, the complement: AMACR is on the minus strand). VCF-style: chr5-33989172-A-G. GRCh37 (hg19) VCF-style: chr5-33989277-A-G.
Other names: c.1070T>C, p.Phe357Ser (NM_001167595.2); c.*312T>C (NM_203382.3); short protein forms F357S.
Identifiers: ClinVar variation 1955413 (VCV001955413.2), dbSNP rs138052540, ClinGen allele CA3225958.